The following is an entry in ClinVar:

ClinVar aggregate classification (germline): Benign (1 of 4 stars; one submission).

Submission:

GeneDx
Classification: Benign. Last evaluated: 2019-04-19. Review status: criteria provided, single submitter. Criteria: GeneDx Variant Classification Process June 2021. Collection method: clinical testing. Allele origin: germline. Affected: yes.
Comment: This variant is associated with the following publications: (PMID: 17597646, 19707175)

NM_017521.3(FEV):c.128-192dup

Gene: FEV (FEV transcription factor, ETS family member; minus strand). Cytogenetic location: 2q35.
Variant type: Duplication.
Coding change: c.128-192dup on transcript NM_017521.3 (MANE Select); 192 bases into the intron before coding-DNA position 128, one base duplicated (A; older notation c.128-192dupA).
Molecular consequence: intron variant.
Genome position (GRCh38, 1-based): chr2:218,982,447, T duplicated on the plus strand (A on the coding strand, the reverse complement: FEV is on the minus strand); the first of 2 consecutive T bases (chr2:218,982,447-218,982,448); duplicating either gives the same sequence. VCF-style (leftmost placement, unchanged base first): chr2-218982446-C-CT. GRCh37 (hg19) VCF-style: chr2-219847168-C-CT.
Identifiers: ClinVar variation 1258531 (VCV001258531.2), dbSNP rs35898226, ClinGen allele CA65936007.